The following is an entry in ClinVar:

NM_001371623.1(TCOF1):c.1717G>C (p.Gly573Arg)

Gene: TCOF1 (treacle ribosome biogenesis factor 1; plus strand). Cytogenetic location: 5q32.
Variant type: single nucleotide variant.
Coding change: c.1717G>C on transcript NM_001371623.1 (MANE Select); coding-DNA position 1717, G replaced by C.
Protein change: p.Gly573Arg; replaces glycine 573 with arginine.
Molecular consequence: missense variant.
Genome position (GRCh38, 1-based): chr5:150,375,733, G>C. VCF-style: chr5-150375733-G-C. GRCh37 (hg19) VCF-style: chr5-149755296-G-C.
Other names: c.1486G>C, p.Gly496Arg (NM_000356.4, NM_001135245.2); c.1717G>C, p.Gly573Arg (NM_001008657.3, NM_001135243.2, NM_001135244.2 and 1 more transcripts); short protein forms G496R, G573R.
Identifiers: ClinVar variation 1706160 (VCV001706160.3), dbSNP rs1193701835, ClinGen allele CA361748269.

ClinVar aggregate classification (germline): Uncertain significance (1 of 4 stars; one submission).

Allele frequency attached by ClinVar (database versions not stated): gnomAD 0.00001; TOPMed 0.00001.

Submission:

GeneDx
Classification: Uncertain significance. Last evaluated: 2024-07-19. Review status: criteria provided, single submitter. Criteria: GeneDx Variant Classification Process June 2021. Collection method: clinical testing. Allele origin: germline.
Comment: In silico analysis supports that this missense variant has a deleterious effect on protein structure/function; Has not been previously published as pathogenic or benign to our knowledge